The following is an entry in ClinVar:

NM_006206.6(PDGFRA):c.1173T>G (p.His391Gln)

Gene: PDGFRA (platelet derived growth factor receptor alpha; plus strand). Cytogenetic location: 4q12.
Variant type: single nucleotide variant.
Coding change: c.1173T>G on transcript NM_006206.6 (MANE Select); coding-DNA position 1173, T replaced by G.
Protein change: p.His391Gln; replaces histidine 391 with glutamine.
Molecular consequence: missense variant.
Genome position (GRCh38, 1-based): chr4:54,270,684, T>G. VCF-style: chr4-54270684-T-G. GRCh37 (hg19) VCF-style: chr4-55136851-T-G.
Other names: c.1173T>G, p.His391Gln (NM_001347827.2, NM_001347829.2); c.1248T>G, p.His416Gln (NM_001347828.2); c.1212T>G, p.His404Gln (NM_001347830.2); short protein forms H391Q, H416Q, H404Q.
Identifiers: ClinVar variation 458988 (VCV000458988.10), dbSNP rs1553903746, ClinGen allele CA356891976.

ClinVar aggregate classification (germline): Uncertain significance. Review status: criteria provided, multiple submitters, no conflicts (2 of 4 stars). 2 submissions from 2 submitters: Uncertain significance (2). Last evaluated 2024-12-16.

Conditions:
Gastrointestinal stromal tumor. Also called: Gastrointestinal stroma tumor; Gastrointestinal stromal tumor, somatic. Identifiers: Orphanet 44890, MedGen C0238198, MeSH D046152, MONDO:0011719, OMIM 606764, HP:0100723.
Hereditary cancer-predisposing syndrome. Also called: Tumor predisposition; Hereditary neoplastic syndrome; Neoplastic Syndromes, Hereditary; Hereditary Cancer Syndrome. Identifiers: Orphanet 140162, MedGen C0027672, MeSH D009386, MONDO:0015356.

Allele frequency attached by ClinVar (database versions not stated): gnomAD exomes below 0.00001.
gnomAD v4.1: 1 of 1,612,426 alleles (0.000062%); highest among the groups gnomAD compares: Non-Finnish European, 0.000085%; no homozygotes.

Submissions (2):

Ambry Genetics
Classification: Uncertain significance for Hereditary cancer-predisposing syndrome. Last evaluated: 2024-12-16. Review status: criteria provided, single submitter. Criteria: Ambry Variant Classification Scheme 2023. Collection method: clinical testing. Allele origin: germline.
Comment: The p.H391Q variant (also known as c.1173T>G), located in coding exon 7 of the PDGFRA gene, results from a T to G substitution at nucleotide position 1173. The histidine at codon 391 is replaced by glutamine, an amino acid with highly similar properties. This amino acid position is conserved. In addition, this alteration is predicted to be tolerated by in silico analysis. Based on the available evidence, the clinical significance of this variant remains unclear.

Labcorp Genetics (formerly Invitae), Labcorp
Classification: Uncertain significance for Gastrointestinal stromal tumor. Last evaluated: 2017-05-21. Review status: criteria provided, single submitter. Criteria: Invitae Variant Classification Sherloc (09022015). Collection method: clinical testing. Allele origin: germline.
Comment: In summary, this variant has uncertain impact on PDGFRA function. The available evidence is currently insufficient to determine its role in disease. Therefore, it has been classified as a Variant of Uncertain Significance. Algorithms developed to predict the effect of missense changes on protein structure and function (SIFT, PolyPhen-2, Align-GVGD) all suggest that this variant is likely to be tolerated, but these predictions have not been confirmed by published functional studies and their clinical significance is uncertain. This variant has not been reported in the literature in individuals with a PDGFRA-related disease. This variant is not present in population databases (ExAC no frequency). This sequence change replaces histidine with glutamine at codon 391 of the PDGFRA protein (p.His391Gln). The histidine residue is moderately conserved and there is a small physicochemical difference between histidine and glutamine.